The following is an entry in ClinVar:

NM_006306.4(SMC1A):c.2182G>T (p.Ala728Ser)

Gene: SMC1A (structural maintenance of chromosomes 1A; minus strand). Cytogenetic location: Xp11.22.
Variant type: single nucleotide variant.
Coding change: c.2182G>T on transcript NM_006306.4 (MANE Select); coding-DNA position 2182, G replaced by T.
Protein change: p.Ala728Ser; replaces alanine 728 with serine.
Molecular consequence: missense variant.
Genome position (GRCh38, 1-based): chrX:53,405,026, C>A on the plus strand (G>T on the coding strand, the complement: SMC1A is on the minus strand). VCF-style: chrX-53405026-C-A. GRCh37 (hg19) VCF-style: chrX-53431958-C-A.
Other names: c.2116G>T, p.Ala706Ser (NM_001281463.1); short protein forms A706S, A728S.
Identifiers: ClinVar variation 3682133 (VCV003682133.2).

ClinVar aggregate classification (germline): Uncertain significance (1 of 4 stars; one submission).

Conditions:
Congenital muscular hypertrophy-cerebral syndrome (CDLS2). Also called: Cornelia de Lange syndrome 2; SMC1A-Related Cornelia de Lange Syndrome. Identifiers: Orphanet 199, MedGen C1802395, MONDO:0010370, OMIM 300590.

gnomAD v4.1: 2 of 1,200,221 alleles (0.00017%); highest among the groups gnomAD compares: Non-Finnish European, 0.00011%; no homozygotes.

Submission:

Labcorp Genetics (formerly Invitae), Labcorp
Classification: Uncertain significance for Congenital muscular hypertrophy-cerebral syndrome. Last evaluated: 2024-04-20. Review status: criteria provided, single submitter. Criteria: Invitae Variant Classification Sherloc (09022015). Collection method: clinical testing. Allele origin: germline.
Comment: This sequence change replaces alanine, which is neutral and non-polar, with serine, which is neutral and polar, at codon 728 of the SMC1A protein (p.Ala728Ser). This variant is not present in population databases (gnomAD no frequency). This variant has not been reported in the literature in individuals affected with SMC1A-related conditions. Advanced modeling of protein sequence and biophysical properties (such as structural, functional, and spatial information, amino acid conservation, physicochemical variation, residue mobility, and thermodynamic stability) performed at Invitae indicates that this missense variant is not expected to disrupt SMC1A protein function with a negative predictive value of 80%. In summary, the available evidence is currently insufficient to determine the role of this variant in disease. Therefore, it has been classified as a Variant of Uncertain Significance.